The following is an entry in ClinVar:

ClinVar aggregate classification (germline): Uncertain significance. Review status: criteria provided, multiple submitters, no conflicts (2 of 4 stars). 2 submissions from 2 submitters: Uncertain significance (2). Last evaluated 2024-08-09.

Conditions:
Hereditary cancer-predisposing syndrome. Also called: Neoplastic Syndromes, Hereditary; Hereditary Cancer Syndrome; Hereditary neoplastic syndrome; Tumor predisposition. Identifiers: Orphanet 140162, MedGen C0027672, MeSH D009386, MONDO:0015356.
Multiple endocrine neoplasia, type 2 (MEN2). Identifiers: Orphanet 653, MedGen C4048306, MONDO:0019003. Disease mechanism: gain of function.

Submissions (2):

Ambry Genetics
Classification: Uncertain significance for Hereditary cancer-predisposing syndrome. Last evaluated: 2024-08-09. Review status: criteria provided, single submitter. Criteria: Ambry Variant Classification Scheme 2023. Collection method: clinical testing. Allele origin: germline.
Comment: The p.S518Y variant (also known as c.1553C>A), located in coding exon 8 of the RET gene, results from a C to A substitution at nucleotide position 1553. The serine at codon 518 is replaced by tyrosine, an amino acid with dissimilar properties. This amino acid position is conserved. In addition, this alteration is predicted to be deleterious by in silico analysis. Based on the available evidence, the clinical significance of this variant remains unclear.

Labcorp Genetics (formerly Invitae), Labcorp
Classification: Uncertain significance for Multiple endocrine neoplasia, type 2. Last evaluated: 2021-12-03. Review status: criteria provided, single submitter. Criteria: Invitae Variant Classification Sherloc (09022015). Collection method: clinical testing. Allele origin: germline.
Comment: In summary, the available evidence is currently insufficient to determine the role of this variant in disease. Therefore, it has been classified as a Variant of Uncertain Significance. Algorithms developed to predict the effect of missense changes on protein structure and function are either unavailable or do not agree on the potential impact of this missense change (SIFT: "Deleterious"; PolyPhen-2: "Probably Damaging"; Align-GVGD: "Class C15"). This variant has not been reported in the literature in individuals affected with RET-related conditions. This variant is not present in population databases (gnomAD no frequency). This sequence change replaces serine, which is neutral and polar, with tyrosine, which is neutral and polar, at codon 518 of the RET protein (p.Ser518Tyr).

NM_020975.6(RET):c.1553C>A (p.Ser518Tyr)

Gene: RET (ret proto-oncogene; plus strand). Cytogenetic location: 10q11.21.
Variant type: single nucleotide variant.
Coding change: c.1553C>A on transcript NM_020975.6 (MANE Select); coding-DNA position 1553, C replaced by A.
Protein change: p.Ser518Tyr; replaces serine 518 with tyrosine.
Molecular consequence: missense variant.
Genome position (GRCh38, 1-based): chr10:43,112,129, C>A. VCF-style: chr10-43112129-C-A. GRCh37 (hg19) VCF-style: chr10-43607577-C-A.
Other names: c.1553C>A, p.Ser518Tyr (NM_000323.2, NM_001406743.1, NM_001406744.1 and 6 more transcripts); c.791C>A, p.Ser264Tyr (NM_001355216.2); c.1424C>A, p.Ser475Tyr (NM_001406761.1, NM_001406762.1, NM_001406764.1 and 1 more transcripts); c.1265C>A, p.Ser422Tyr (NM_001406766.1, NM_001406767.1, NM_001406770.1); c.1157C>A, p.Ser386Tyr (NM_001406769.1, NM_001406772.1); c.1115C>A, p.Ser372Tyr (NM_001406771.1, NM_001406773.1); c.1028C>A, p.Ser343Tyr (NM_001406774.1); c.827C>A, p.Ser276Tyr (NM_001406775.1, NM_001406776.1, NM_001406777.1 and 1 more transcripts); and 5 more; short protein forms S264Y, S518Y, S188Y, S276Y, S475Y, S123Y, S35Y, S422Y.
Identifiers: ClinVar variation 1439057 (VCV001439057.8), dbSNP rs2132797325, ClinGen allele CA376550325.